The following is an entry in ClinVar:

ClinVar aggregate classification (germline): Uncertain significance. Review status: criteria provided, multiple submitters, no conflicts (2 of 4 stars). 2 submissions from 2 submitters: Uncertain significance (2). Last evaluated 2022-11-11.

Allele frequency attached by ClinVar (database versions not stated): ExAC 0.00003; gnomAD 0.00005; gnomAD exomes 0.00006 and 0.00038; TOPMed 0.00007; ESP Exome Variant Server 0.00008.
gnomAD v4.1: 560 of 1,613,090 alleles (0.035%); highest among the groups gnomAD compares: Non-Finnish European, 0.046%; 1 homozygote.

Submissions (2):

Blueprint Genetics
Classification: Uncertain significance. Last evaluated: 2022-11-11. Review status: criteria provided, single submitter. Criteria: ACMG Guidelines, 2015. Collection method: clinical testing. Allele origin: germline.

Labcorp Genetics (formerly Invitae), Labcorp
Classification: Uncertain significance. Last evaluated: 2022-07-26. Review status: criteria provided, single submitter. Criteria: Invitae Variant Classification Sherloc (09022015). Collection method: clinical testing. Allele origin: germline.
Comment: This sequence change replaces glutamic acid, which is acidic and polar, with lysine, which is basic and polar, at codon 1912 of the ABCA4 protein (p.Glu1912Lys). The frequency data for this variant in the population databases is considered unreliable, as metrics indicate poor data quality at this position in the gnomAD database. This variant has not been reported in the literature in individuals affected with ABCA4-related conditions. ClinVar contains an entry for this variant (Variation ID: 950192). Advanced modeling of protein sequence and biophysical properties (such as structural, functional, and spatial information, amino acid conservation, physicochemical variation, residue mobility, and thermodynamic stability) performed at Invitae indicates that this missense variant is not expected to disrupt ABCA4 protein function. In summary, the available evidence is currently insufficient to determine the role of this variant in disease. Therefore, it has been classified as a Variant of Uncertain Significance.

NM_000350.3(ABCA4):c.5734G>A (p.Glu1912Lys)

Gene: ABCA4 (ATP binding cassette subfamily A member 4; minus strand). Cytogenetic location: 1p22.1.
Variant type: single nucleotide variant.
Coding change: c.5734G>A on transcript NM_000350.3 (MANE Select); coding-DNA position 5734, G replaced by A.
Protein change: p.Glu1912Lys; replaces glutamic acid 1912 with lysine.
Molecular consequence: missense variant.
Genome position (GRCh38, 1-based): chr1:94,008,852, C>T on the plus strand (G>A on the coding strand, the complement: ABCA4 is on the minus strand). VCF-style: chr1-94008852-C-T. GRCh37 (hg19) VCF-style: chr1-94474408-C-T.
Other names: c.5512G>A, p.Glu1838Lys (NM_001425324.1); short protein forms E1912K, E1838K.
Identifiers: ClinVar variation 950192 (VCV000950192.8), dbSNP rs145299063, ClinGen allele CA957126.